The following is an entry in ClinVar:

NM_001127208.3(TET2):c.3073A>C (p.Ile1025Leu)

Genes: TET2 (tet methylcytosine dioxygenase 2; plus strand), TET2-AS1 (TET2 antisense RNA 1; minus strand). Cytogenetic location: 4q24.
Variant type: single nucleotide variant.
Coding change: c.3073A>C on transcript NM_001127208.3 (MANE Select); coding-DNA position 3073, A replaced by C.
Protein change: p.Ile1025Leu; replaces isoleucine 1025 with leucine.
Molecular consequence: missense variant.
Genome position (GRCh38, 1-based): chr4:105,237,015, A>C. VCF-style: chr4-105237015-A-C. GRCh37 (hg19) VCF-style: chr4-106158172-A-C.
Other names: c.3073A>C, p.Ile1025Leu (NM_017628.4); short protein forms I1025L.
Identifiers: ClinVar variation 2187985 (VCV002187985.3), dbSNP rs368840420, ClinGen allele CA3032010.

ClinVar aggregate classification (germline): Uncertain significance (1 of 4 stars; one submission).

Allele frequency attached by ClinVar (database versions not stated): gnomAD 0.00003; TOPMed 0.00004; ExAC 0.00006; ESP Exome Variant Server 0.00015.
gnomAD v4.1: 55 of 1,614,068 alleles (0.0034%); highest among the groups gnomAD compares: Admixed American, 0.005%; 1 homozygote.

Submission:

Labcorp Genetics (formerly Invitae), Labcorp
Classification: Uncertain significance. Last evaluated: 2024-09-26. Review status: criteria provided, single submitter. Criteria: Invitae Variant Classification Sherloc (09022015). Collection method: clinical testing. Allele origin: germline.
Comment: This sequence change replaces isoleucine, which is neutral and non-polar, with leucine, which is neutral and non-polar, at codon 1025 of the TET2 protein (p.Ile1025Leu). This variant is present in population databases (rs368840420, gnomAD 0.2%). This variant has not been reported in the literature in individuals affected with TET2-related conditions. ClinVar contains an entry for this variant (Variation ID: 2187985). An algorithm developed to predict the effect of missense changes on protein structure and function outputs the following: PolyPhen-2: "Benign". The leucine amino acid residue is found in multiple mammalian species, which suggests that this missense change does not adversely affect protein function. In summary, the available evidence is currently insufficient to determine the role of this variant in disease. Therefore, it has been classified as a Variant of Uncertain Significance.